The following is an entry in ClinVar:

NM_001009944.3(PKD1):c.10945C>T (p.Pro3649Ser)

Genes: PKD1 (polycystin 1, transient receptor potential channel interacting; minus strand), PKD1-AS1 (PKD1 antisense RNA 1; plus strand). Cytogenetic location: 16p13.3.
Variant type: single nucleotide variant.
Coding change: c.10945C>T on transcript NM_001009944.3 (MANE Select); coding-DNA position 10945, C replaced by T.
Protein change: p.Pro3649Ser; replaces proline 3649 with serine.
Molecular consequence: missense variant.
Genome position (GRCh38, 1-based): chr16:2,093,615, G>A on the plus strand (C>T on the coding strand, the complement: PKD1 is on the minus strand). VCF-style: chr16-2093615-G-A. GRCh37 (hg19) VCF-style: chr16-2143616-G-A.
Other names: c.10942C>T, p.Pro3648Ser (NM_000296.4); short protein forms P3648S, P3649S.
Identifiers: ClinVar variation 3236017 (VCV003236017.5), dbSNP rs2544647097, ClinGen allele CA394338804.

ClinVar aggregate classification (germline): Conflicting classifications of pathogenicity. Review status: criteria provided, conflicting classifications (1 of 4 stars). 5 submissions from 5 submitters: Likely pathogenic (1); Uncertain significance (4). Last evaluated 2026-09-01.

Conditions:
PKD1-related disorder. Also called: PKD1-related condition.
Polycystic kidney disease, adult type (PKD1). Also called: POLYCYSTIC KIDNEY DISEASE 1 WITH OR WITHOUT POLYCYSTIC LIVER DISEASE; Polycystic Kidney Disease 1, Autosomal Dominant; Polycystic kidney disease 1; Polycystic kidney disease 1, severe; Polycystic Kidney, Autosomal Dominant; POLYCYSTIC KIDNEY DISEASE, ADULT, TYPE I. Identifiers: MedGen C3149841, MONDO:0008263, OMIM 173900.

Submissions (5):

CeGaT Center for Human Genetics Tuebingen
Classification: Likely pathogenic. Last evaluated: 2026-09-01. Review status: criteria provided, single submitter. Criteria: CeGaT Center For Human Genetics Tuebingen Variant Classification Criteria Version 2. Collection method: clinical testing. Allele origin: germline. Affected: yes. Observed: 1 variant allele.
Comment: PKD1: PM1, PM2, PM5

PreventionGenetics, part of Exact Sciences
Classification: Uncertain significance for PKD1-related condition. Last evaluated: 2026-08-25. Review status: criteria provided, single submitter. Criteria: ACMG Guidelines, 2015. Collection method: clinical testing. Allele origin: germline.
Comment: The PKD1 c.10945C>T variant is predicted to result in the amino acid substitution p.Pro3649Ser. To our knowledge, this variant has not been reported in the literature or in a large population database (gnomAD), indicating this variant is rare. The p.Pro3649 residue is highly conserved. Of note, different substitutions at the same codon have been reported in individuals with autosomal dominant polycystic kidney disease (ADPKD) (p.Pro3649Thr in Table S1 of Kimura et al. 2023. PubMed ID: 37509056; p.Pro3649His in Supplementary Table 3 of Benson et al. 2021. PubMed ID: 33454723 and Supplementary Tables of Elhassan et al. 2024. PubMed ID: 38481516; p.Pro3649Arg in Supplementary Table 2 of Domingo-Gallego et al. 2022. PubMed ID: 33532864; p.Pro3649Leu reported as Pro3648Leu in Ding et al. 2002. PubMed ID: 11773467). Although we highly suspect that the c.10945C>T (p.Pro3649Ser) variant is pathogenic, at this time, the clinical significance of this variant is uncertain due to the absence of conclusive functional and genetic evidence.

Women's Health and Genetics/Laboratory Corporation of America, LabCorp
Classification: Uncertain significance. Last evaluated: 2025-10-03. Review status: criteria provided, single submitter. Criteria: LabCorp Variant Classification Summary - May 2015. Collection method: clinical testing. Allele origin: germline.
Comment: Variant summary: PKD1 c.10945C>T (p.Pro3649Ser) results in a non-conservative amino acid change in the encoded protein sequence. Algorithms developed to predict the effect of missense changes on protein structure and function are either unavailable or do not agree on the potential impact of this missense change. The frequency data for this variant in gnomAD is considered unreliable, as metrics indicate poor data quality at this position. To our knowledge, no occurrence of c.10945C>T in individuals affected with PKD1-related conditions and no experimental evidence demonstrating its impact on protein function have been reported. ClinVar contains an entry for this variant (Variation ID: 3236017). Based on the evidence outlined above, the variant was classified as uncertain significance.

Blueprint Genetics
Classification: Uncertain significance. Last evaluated: 2022-08-04. Review status: criteria provided, single submitter. Criteria: ACMG Guidelines, 2015. Collection method: clinical testing. Allele origin: germline.

MVZ Medizinische Genetik Mainz
Classification: Uncertain significance for Polycystic kidney disease, adult type. Last evaluated: 2022-05-04. Review status: criteria provided, single submitter. Criteria: UK Practice Guidelines For Variant Classification V4 01 2020. Collection method: clinical testing. Allele origin: germline. Inheritance: Autosomal dominant inheritance. Affected: yes. Observed: 1 variant allele.
Comment: ACMG Criteria: PM2_SUP, PM5_SUP, PP4 (ACMG Version 3)